The following is an entry in ClinVar:

NM_001466.4(FZD2):c.254C>A (p.Ser85Ter)

Gene: FZD2 (frizzled class receptor 2; plus strand). Cytogenetic location: 17q21.31.
Variant type: single nucleotide variant.
Coding change: c.254C>A on transcript NM_001466.4 (MANE Select); coding-DNA position 254, C replaced by A.
Protein change: p.Ser85Ter; replaces serine 85 with a stop codon.
Molecular consequence: nonsense.
Genome position (GRCh38, 1-based): chr17:44,557,942, C>A. VCF-style: chr17-44557942-C-A. GRCh37 (hg19) VCF-style: chr17-42635310-C-A.
Other names: short protein forms S85*.
Identifiers: ClinVar variation 3384022 (VCV003384022.1).

ClinVar aggregate classification (germline): Pathogenic (1 of 4 stars; one submission).

Conditions:
Autosomal dominant omodysplasia. Identifiers: Orphanet 2733, Orphanet 93328, MedGen C2750355, MONDO:0008123, OMIM 164745.

Submission:

Dubai Health Genomic Medicine Center, Dubai Health
Classification: Pathogenic for Omodysplasia 2. Last evaluated: 2024-10-04. Review status: criteria provided, single submitter. Criteria: ACMG Guidelines, 2015. Collection method: research. Allele origin: germline. Affected: yes.
Comment: PVS1,PM2,PM6